The following is an entry in ClinVar:

ClinVar aggregate classification (germline): Uncertain significance (1 of 4 stars; one submission).

Conditions:
Malignant hyperthermia, susceptibility to, 5 (MHS5). Also called: CACNA1S-Related Malignant Hyperthermia Susceptibility. Identifiers: Orphanet 423, MedGen C1866077, MONDO:0011163, OMIM 601887.

Submission:

All of Us Research Program, National Institutes of Health
Classification: Uncertain significance for Malignant hyperthermia, susceptibility to, 5. Last evaluated: 2023-12-18. Review status: criteria provided, single submitter. Criteria: ACMG Guidelines, 2015. Collection method: clinical testing. Allele origin: germline. Inheritance: Autosomal dominant inheritance. Observed: 1 variant allele, 1 heterozygote.
Comment: This missense variant replaces valine with methionine at codon 1719 of the CACNA1S protein. Computational prediction suggests that this variant may not impact protein structure and function (internally defined REVEL score threshold <= 0.5, PMID: 27666373). To our knowledge, functional studies have not been reported for this variant. This variant has not been reported in individuals affected with CACNA1S-related disorders in the literature. This variant has not been identified in the general population by the Genome Aggregation Database (gnomAD). The available evidence is insufficient to determine the role of this variant in disease conclusively. Therefore, this variant is classified as a Variant of Uncertain Significance.

This study involves interpretation of variants in research participants for the purpose of population health screening. Participant phenotype was not available at the time of variant classification. Additional details can be found in publication PMID: 35346344, PMCID: PMC8962531

NM_000069.3(CACNA1S):c.5155G>A (p.Val1719Met)

Gene: CACNA1S (calcium voltage-gated channel subunit alpha1 S; minus strand). Cytogenetic location: 1q32.1.
Variant type: single nucleotide variant.
Coding change: c.5155G>A on transcript NM_000069.3 (MANE Select); coding-DNA position 5155, G replaced by A.
Protein change: p.Val1719Met; replaces valine 1719 with methionine.
Molecular consequence: missense variant.
Genome position (GRCh38, 1-based): chr1:201,040,693, C>T on the plus strand (G>A on the coding strand, the complement: CACNA1S is on the minus strand). VCF-style: chr1-201040693-C-T. GRCh37 (hg19) VCF-style: chr1-201009821-C-T.
Other names: short protein forms V1719M.
Identifiers: ClinVar variation 3075061 (VCV003075061.1), dbSNP rs1660138203, ClinGen allele CA344132299.